The following is an entry in ClinVar:

NM_001611.5(ACP5):c.421T>G (p.Phe141Val)

Gene: ACP5 (acid phosphatase 5, tartrate resistant; minus strand). Cytogenetic location: 19p13.2.
Variant type: single nucleotide variant.
Coding change: c.421T>G on transcript NM_001611.5 (MANE Select); coding-DNA position 421, T replaced by G.
Protein change: p.Phe141Val; replaces phenylalanine 141 with valine.
Molecular consequence: missense variant.
Genome position (GRCh38, 1-based): chr19:11,576,557, A>C on the plus strand (T>G on the coding strand, the complement: ACP5 is on the minus strand). VCF-style: chr19-11576557-A-C. GRCh37 (hg19) VCF-style: chr19-11687372-A-C.
Other names: c.421T>G, p.Phe141Val (NM_001111034.3, NM_001111035.3, NM_001111036.3 and 1 more transcripts); c.421T>G (NM_001111035.1); short protein forms F141V.
Identifiers: ClinVar variation 1051590 (VCV001051590.8), dbSNP rs201716955, ClinGen allele CA9215411.

ClinVar aggregate classification (germline): Uncertain significance. Review status: criteria provided, multiple submitters, no conflicts (2 of 4 stars). 3 submissions from 3 submitters: Uncertain significance (3). Last evaluated 2024-06-18.

Conditions:
Inborn genetic diseases. Identifiers: MedGen C0950123, MeSH D030342.
Spondyloenchondrodysplasia with immune dysregulation (SPENCDI). Also called: COMBINED IMMUNODEFICIENCY WITH AUTOIMMUNITY AND SPONDYLOMETAPHYSEAL DYSPLASIA; SPONDYLOENCHONDRODYSPLASIA WITH OR WITHOUT IMMUNE DYSREGULATION; ROIFMAN IMMUNOSKELETAL SYNDROME. Identifiers: Orphanet 1855, MedGen C1842763, MONDO:0011939, OMIM 607944.

Allele frequency attached by ClinVar (database versions not stated): TOPMed 0.00002; ESP Exome Variant Server 0.00008; gnomAD 0.00009 and 0.00014; gnomAD exomes 0.00009 and 0.00012; ExAC 0.00014.

Submissions (3):

Blueprint Genetics
Classification: Uncertain significance. Last evaluated: 2024-06-18. Review status: criteria provided, single submitter. Criteria: ACMG Guidelines, 2015. Collection method: clinical testing. Allele origin: germline.

Labcorp Genetics (formerly Invitae), Labcorp
Classification: Uncertain significance for Spondyloenchondrodysplasia with immune dysregulation. Last evaluated: 2022-10-25. Review status: criteria provided, single submitter. Criteria: Invitae Variant Classification Sherloc (09022015). Collection method: clinical testing. Allele origin: germline.
Comment: This sequence change replaces phenylalanine, which is neutral and non-polar, with valine, which is neutral and non-polar, at codon 141 of the ACP5 protein (p.Phe141Val). This variant is present in population databases (rs201716955, gnomAD 0.06%). This variant has not been reported in the literature in individuals affected with ACP5-related conditions. ClinVar contains an entry for this variant (Variation ID: 1051590). Advanced modeling of protein sequence and biophysical properties (such as structural, functional, and spatial information, amino acid conservation, physicochemical variation, residue mobility, and thermodynamic stability) performed at Invitae indicates that this missense variant is not expected to disrupt ACP5 protein function. Experimental studies have shown that this missense change affects ACP5 function (PMID: 27390188). In summary, the available evidence is currently insufficient to determine the role of this variant in disease. Therefore, it has been classified as a Variant of Uncertain Significance.

Ambry Genetics
Classification: Uncertain significance for Inborn genetic diseases. Last evaluated: 2021-01-13. Review status: criteria provided, single submitter. Criteria: Ambry Variant Classification Scheme 2023. Collection method: clinical testing. Allele origin: germline.
Comment: (An, 2017) Based on insufficient or conflicting evidence, the clinical significance of this alteration remains unclear.

Literature cited by the submitters: PubMed 27390188 (cited by Labcorp Genetics (formerly Invitae), Labcorp and Ambry Genetics).